The following is an entry in ClinVar:

NM_000103.4(CYP19A1):c.1009C>T (p.Gln337Ter)

Genes: CYP19A1 (cytochrome P450 family 19 subfamily A member 1; minus strand), MIR4713HG (MIR4713 host gene; plus strand), PIRC66 (piwi-interacting RNA cluster 66; plus strand). Cytogenetic location: 15q21.2.
Variant type: single nucleotide variant.
Coding change: c.1009C>T on transcript NM_000103.4 (MANE Select); coding-DNA position 1009, C replaced by T.
Protein change: p.Gln337Ter; replaces glutamine 337 with a stop codon.
Molecular consequence: nonsense.
Genome position (GRCh38, 1-based): chr15:51,215,082, G>A on the plus strand (C>T on the coding strand, the complement: CYP19A1 is on the minus strand). VCF-style: chr15-51215082-G-A. GRCh37 (hg19) VCF-style: chr15-51507279-G-A.
Other names: c.1009C>T, p.Gln337Ter (NM_001347248.1, NM_001347249.2, NM_001347250.2 and 7 more transcripts); short protein forms Q337*.
Identifiers: ClinVar variation 1076191 (VCV001076191.7), dbSNP rs2141041805, ClinGen allele CA392425104.

ClinVar aggregate classification (germline): Pathogenic (1 of 4 stars; one submission).

Submission:

Labcorp Genetics (formerly Invitae), Labcorp
Classification: Pathogenic. Last evaluated: 2020-03-16. Review status: criteria provided, single submitter. Criteria: Invitae Variant Classification Sherloc (09022015). Collection method: clinical testing. Allele origin: germline.
Comment: Loss-of-function variants in CYP19A1 are known to be pathogenic (PMID: 14602738, 27086564, 27256151). This variant has not been reported in the literature in individuals with CYP19A1-related conditions. This variant is not present in population databases (ExAC no frequency). This sequence change creates a premature translational stop signal (p.Gln337*) in the CYP19A1 gene. It is expected to result in an absent or disrupted protein product. For these reasons, this variant has been classified as Pathogenic.

Literature cited by the submitters: PubMed 14602738; PubMed 27086564; PubMed 27256151.